The following is an entry in ClinVar:

NM_144670.6(A2ML1):c.2129G>A (p.Gly710Asp)

Gene: A2ML1 (alpha-2-macroglobulin like 1; plus strand). Cytogenetic location: 12p13.31.
Variant type: single nucleotide variant.
Coding change: c.2129G>A on transcript NM_144670.6 (MANE Select); coding-DNA position 2129, G replaced by A.
Protein change: p.Gly710Asp; replaces glycine 710 with aspartic acid.
Molecular consequence: missense variant.
Genome position (GRCh38, 1-based): chr12:8,850,169, G>A. VCF-style: chr12-8850169-G-A. GRCh37 (hg19) VCF-style: chr12-9002765-G-A.
Other names: c.656G>A, p.Gly219Asp (NM_001282424.3); short protein forms G219D, G710D.
Identifiers: ClinVar variation 2039729 (VCV002039729.4), dbSNP rs2539251262, ClinGen allele CA383832045.

ClinVar aggregate classification (germline): Uncertain significance (1 of 4 stars; one submission).

Submission:

Labcorp Genetics (formerly Invitae), Labcorp
Classification: Uncertain significance. Last evaluated: 2021-12-21. Review status: criteria provided, single submitter. Criteria: Invitae Variant Classification Sherloc (09022015). Collection method: clinical testing. Allele origin: germline.
Comment: In summary, the available evidence is currently insufficient to determine the role of this variant in disease. Therefore, it has been classified as a Variant of Uncertain Significance. Algorithms developed to predict the effect of missense changes on protein structure and function output the following: SIFT: "Tolerated"; PolyPhen-2: "Benign"; Align-GVGD: "Class C0". The aspartic acid amino acid residue is found in multiple mammalian species, which suggests that this missense change does not adversely affect protein function. This variant has not been reported in the literature in individuals affected with A2ML1-related conditions. This variant is not present in population databases (gnomAD no frequency). This sequence change replaces glycine, which is neutral and non-polar, with aspartic acid, which is acidic and polar, at codon 710 of the A2ML1 protein (p.Gly710Asp).